The following is an entry in ClinVar:

NM_138420.4(AHNAK2):c.5569G>C (p.Val1857Leu)

Gene: AHNAK2 (AHNAK nucleoprotein 2; minus strand). Cytogenetic location: 14q32.33.
Variant type: single nucleotide variant.
Coding change: c.5569G>C on transcript NM_138420.4 (MANE Select); coding-DNA position 5569, G replaced by C.
Protein change: p.Val1857Leu; replaces valine 1857 with leucine.
Molecular consequence: missense variant.
Genome position (GRCh38, 1-based): chr14:104,949,882, C>G on the plus strand (G>C on the coding strand, the complement: AHNAK2 is on the minus strand). VCF-style: chr14-104949882-C-G. GRCh37 (hg19) VCF-style: chr14-105416219-C-G.
Other names: c.5569G>C (NM_138420.2); c.5269G>C, p.Val1757Leu (NM_001350929.2); short protein forms V1757L, V1857L.
Identifiers: ClinVar variation 2644788 (VCV002644788.24), dbSNP rs201867624, ClinGen allele CA7381645.
Genomic context (GRCh38, chr14:104,949,882, plus strand): 5'-AAGGGAGCGGAATGCAGAGGTCCGTGGTCTTGAGGTCCCCCTGCATGGAGGGGAGGCTCA[C>G]TTCGGCCTCCACCTTCGGCGCAGACACATCCACCGAGGCCTCGATGGACTTGCCTGGGGC-3'
Protein context (NP_612429.2, residues 1847-1867): DVSAPKVEAE[Val1857Leu]SLPSMQGDLK

ClinVar aggregate classification (germline): Conflicting classifications of pathogenicity. Review status: criteria provided, conflicting classifications (1 of 4 stars). 2 submissions from 2 submitters: Uncertain significance (1); Likely benign (1). Last evaluated 2025-04-07.

Allele frequency attached by ClinVar (database versions not stated): gnomAD 0.00009; ESP Exome Variant Server 0.00017.
gnomAD v4.1: 108 of 1,587,518 alleles (0.0068%); highest among the groups gnomAD compares: Admixed American, 0.033%; 13 homozygotes.

Submissions (2):

Ambry Genetics
Classification: Uncertain significance. Last evaluated: 2025-04-07. Review status: criteria provided, single submitter. Criteria: Ambry Variant Classification Scheme 2023. Collection method: clinical testing. Allele origin: germline.

CeGaT Center for Human Genetics Tuebingen
Classification: Likely benign. Last evaluated: 2022-12-01. Review status: criteria provided, single submitter. Criteria: CeGaT Center For Human Genetics Tuebingen Variant Classification Criteria Version 2. Collection method: clinical testing. Allele origin: germline. Affected: yes. Observed: 1 variant allele.
Comment: AHNAK2: BP4